The following is an entry in ClinVar:

NM_032040.5(CCDC8):c.64G>A (p.Gly22Ser)

Gene: CCDC8 (coiled-coil domain containing 8 subunit of 3M complex; minus strand). Cytogenetic location: 19q13.32.
Variant type: single nucleotide variant.
Coding change: c.64G>A on transcript NM_032040.5 (MANE Select); coding-DNA position 64, G replaced by A.
Protein change: p.Gly22Ser; replaces glycine 22 with serine.
Molecular consequence: missense variant.
Genome position (GRCh38, 1-based): chr19:46,412,747, C>T on the plus strand (G>A on the coding strand, the complement: CCDC8 is on the minus strand). VCF-style: chr19-46412747-C-T. GRCh37 (hg19) VCF-style: chr19-46916004-C-T.
Other names: c.64G>A (NM_032040.3); short protein forms G22S.
Identifiers: ClinVar variation 2419626 (VCV002419626.7), dbSNP rs1973250706, ClinGen allele CA406464368.

ClinVar aggregate classification (germline): Uncertain significance. Review status: criteria provided, multiple submitters, no conflicts (2 of 4 stars). 2 submissions from 2 submitters: Uncertain significance (2). Last evaluated 2025-09-08.

Conditions:
Inborn genetic diseases. Identifiers: MedGen C0950123, MeSH D030342.

Allele frequency attached by ClinVar (database versions not stated): gnomAD exomes below 0.00001; TOPMed below 0.00001.

Submissions (2):

Labcorp Genetics (formerly Invitae), Labcorp
Classification: Uncertain significance. Last evaluated: 2025-09-08. Review status: criteria provided, single submitter. Criteria: Invitae Variant Classification Sherloc (09022015). Collection method: clinical testing. Allele origin: germline.
Comment: This sequence change replaces glycine, which is neutral and non-polar, with serine, which is neutral and polar, at codon 22 of the CCDC8 protein (p.Gly22Ser). This variant is not present in population databases (gnomAD no frequency). This variant has not been reported in the literature in individuals affected with CCDC8-related conditions. ClinVar contains an entry for this variant (Variation ID: 2419626). An algorithm developed to predict the effect of missense changes on protein structure and function (PolyPhen-2) suggests that this variant is likely to be disruptive. In summary, the available evidence is currently insufficient to determine the role of this variant in disease. Therefore, it has been classified as a Variant of Uncertain Significance.

Ambry Genetics
Classification: Uncertain significance for Inborn genetic diseases. Last evaluated: 2025-03-10. Review status: criteria provided, single submitter. Criteria: Ambry Variant Classification Scheme 2023. Collection method: clinical testing. Allele origin: germline.